The following is an entry in ClinVar:

NM_000136.3(FANCC):c.1078C>G (p.Pro360Ala)

Genes: AOPEP (aminopeptidase O (putative); plus strand), FANCC (FA complementation group C; minus strand). Cytogenetic location: 9q22.32.
Variant type: single nucleotide variant.
Coding change: c.1078C>G on transcript NM_000136.3 (MANE Select); coding-DNA position 1078, C replaced by G.
Protein change: p.Pro360Ala; replaces proline 360 with alanine.
Molecular consequence: missense variant.
Genome position (GRCh38, 1-based): chr9:95,114,705, G>C on the plus strand (C>G on the coding strand, the complement: FANCC is on the minus strand). VCF-style: chr9-95114705-G-C. GRCh37 (hg19) VCF-style: chr9-97876987-G-C.
Other names: c.1078C>G, p.Pro360Ala (NM_001243743.2, NM_001243744.2); short protein forms P360A.
Identifiers: ClinVar variation 1785429 (VCV001785429.2), dbSNP rs2540949367, ClinGen allele CA374108062.

ClinVar aggregate classification (germline): Uncertain significance (1 of 4 stars; one submission).

Conditions:
Hereditary cancer-predisposing syndrome. Also called: Neoplastic Syndromes, Hereditary; Tumor predisposition; Hereditary Cancer Syndrome; Hereditary neoplastic syndrome. Identifiers: Orphanet 140162, MedGen C0027672, MeSH D009386, MONDO:0015356.

gnomAD v4.1: 1 of 1,614,096 alleles (0.000062%); no homozygotes.

Submission:

Ambry Genetics
Classification: Uncertain significance for Hereditary cancer-predisposing syndrome. Last evaluated: 2021-08-13. Review status: criteria provided, single submitter. Criteria: Ambry Variant Classification Scheme 2023. Collection method: clinical testing. Allele origin: germline.
Comment: The p.P360A variant (also known as c.1078C>G), located in coding exon 11 of the FANCC gene, results from a C to G substitution at nucleotide position 1078. The proline at codon 360 is replaced by alanine, an amino acid with highly similar properties. This amino acid position is conserved. In addition, this alteration is predicted to be tolerated by in silico analysis. Since supporting evidence is limited at this time, the clinical significance of this alteration remains unclear.